The following is an entry in ClinVar:

ClinVar aggregate classification (germline): Uncertain significance (1 of 4 stars; one submission).

Conditions:
Retinitis pigmentosa 59 (RP59). Identifiers: Orphanet 791, MedGen C3151227, MONDO:0013468, OMIM 613861.

Submission:

Labcorp Genetics (formerly Invitae), Labcorp
Classification: Uncertain significance for Retinitis pigmentosa 59. Last evaluated: 2020-10-04. Review status: criteria provided, single submitter. Criteria: Invitae Variant Classification Sherloc (09022015). Collection method: clinical testing. Allele origin: germline.
Comment: This sequence change replaces lysine with threonine at codon 100 of the DHDDS protein (p.Lys100Thr). The lysine residue is highly conserved and there is a moderate physicochemical difference between lysine and threonine. This variant is not present in population databases (ExAC no frequency). In summary, the available evidence is currently insufficient to determine the role of this variant in disease. Therefore, it has been classified as a Variant of Uncertain Significance. Algorithms developed to predict the effect of missense changes on protein structure and function (SIFT, PolyPhen-2, Align-GVGD) all suggest that this variant is likely to be disruptive, but these predictions have not been confirmed by published functional studies and their clinical significance is uncertain. This variant has not been reported in the literature in individuals with DHDDS-related conditions.

NM_205861.3(DHDDS):c.299A>C (p.Lys100Thr)

Gene: DHDDS (dehydrodolichyl diphosphate synthase subunit; plus strand). Cytogenetic location: 1p36.11.
Variant type: single nucleotide variant.
Coding change: c.299A>C on transcript NM_205861.3 (MANE Select); coding-DNA position 299, A replaced by C.
Protein change: p.Lys100Thr; replaces lysine 100 with threonine.
Molecular consequence: missense variant.
Genome position (GRCh38, 1-based): chr1:26,442,849, A>C. VCF-style: chr1-26442849-A-C. GRCh37 (hg19) VCF-style: chr1-26769340-A-C.
Other names: c.299A>C, p.Lys100Thr (NM_001243564.2, NM_001243565.2, NM_024887.4); c.20A>C, p.Lys7Thr (NM_001319959.2); short protein forms K100T, K7T.
Identifiers: ClinVar variation 938455 (VCV000938455.9), dbSNP rs755746499, ClinGen allele CA339140625.